The following is an entry in ClinVar:

NM_005751.5(AKAP9):c.8434T>G (p.Cys2812Gly)

Gene: AKAP9 (A-kinase anchoring protein 9; plus strand). Cytogenetic location: 7q21.2.
Variant type: single nucleotide variant.
Coding change: c.8434T>G on transcript NM_005751.5 (MANE Select); coding-DNA position 8434, T replaced by G.
Protein change: p.Cys2812Gly; replaces cysteine 2812 with glycine.
Molecular consequence: missense variant.
Genome position (GRCh38, 1-based): chr7:92,083,443, T>G. VCF-style: chr7-92083443-T-G. GRCh37 (hg19) VCF-style: chr7-91712757-T-G.
Other names: c.3079T>G, p.Cys1027Gly (NM_001379277.1); c.8410T>G, p.Cys2804Gly (NM_147185.3); short protein forms C2812G, C2804G, C1027G.
Identifiers: ClinVar variation 2864178 (VCV002864178.3), dbSNP rs2535258728, ClinGen allele CA368138967.

ClinVar aggregate classification (germline): Uncertain significance (1 of 4 stars; one submission).

Conditions:
Long QT syndrome (LQTS). Identifiers: MedGen C0023976, MeSH D008133, MONDO:0002442. Disease mechanism: loss of function. Inheritance: Various modes of inheritance.

Submission:

Labcorp Genetics (formerly Invitae), Labcorp
Classification: Uncertain significance for Long QT syndrome. Last evaluated: 2023-05-14. Review status: criteria provided, single submitter. Criteria: Invitae Variant Classification Sherloc (09022015). Collection method: clinical testing. Allele origin: germline.
Comment: This variant has not been reported in the literature in individuals affected with AKAP9-related conditions. This variant is not present in population databases (gnomAD no frequency). This sequence change replaces cysteine, which is neutral and slightly polar, with glycine, which is neutral and non-polar, at codon 2812 of the AKAP9 protein (p.Cys2812Gly). An algorithm developed to predict the effect of missense changes on protein structure and function (PolyPhen-2) suggests that this variant is likely to be tolerated. In summary, the available evidence is currently insufficient to determine the role of this variant in disease. Therefore, it has been classified as a Variant of Uncertain Significance.